The following is an entry in ClinVar:

ClinVar aggregate classification (germline): Uncertain significance. Review status: criteria provided, multiple submitters, no conflicts (2 of 4 stars). 3 submissions from 3 submitters: Uncertain significance (3). Last evaluated 2025-09-26.

Conditions:
Immunodeficiency 19 (IMD19). Also called: IMMUNODEFICIENCY 19, SEVERE COMBINED; CD3-DELTA DEFICIENCY; SEVERE COMBINED IMMUNODEFICIENCY, T CELL-NEGATIVE, B CELL-POSITIVE, NK CELL-POSITIVE; SCID, T CELL-NEGATIVE, B CELL-POSITIVE, NK CELL-POSITIVE. Identifiers: MedGen C3810147, MONDO:0014280, OMIM 615617.
Inborn genetic diseases. Identifiers: MedGen C0950123, MeSH D030342.

Allele frequency attached by ClinVar (database versions not stated): ExAC 0.00001; gnomAD exomes 0.00001 and 0.00003.

Submissions (3):

Ambry Genetics
Classification: Uncertain significance for Inborn genetic diseases. Last evaluated: 2025-09-26. Review status: criteria provided, single submitter. Criteria: Ambry Variant Classification Scheme 2023. Collection method: clinical testing. Allele origin: germline.

Labcorp Genetics (formerly Invitae), Labcorp
Classification: Uncertain significance for Immunodeficiency 19. Last evaluated: 2021-11-09. Review status: criteria provided, single submitter. Criteria: Invitae Variant Classification Sherloc (09022015). Collection method: clinical testing. Allele origin: germline.
Comment: This sequence change replaces threonine, which is neutral and polar, with serine, which is neutral and polar, at codon 115 of the CD3D protein (p.Thr115Ser). This variant is present in population databases (rs762023030, gnomAD 0.006%). This variant has not been reported in the literature in individuals affected with CD3D-related conditions. Algorithms developed to predict the effect of missense changes on protein structure and function are either unavailable or do not agree on the potential impact of this missense change (SIFT: "Tolerated"; PolyPhen-2: "Probably Damaging"; Align-GVGD: "Class C0"). In summary, the available evidence is currently insufficient to determine the role of this variant in disease. Therefore, it has been classified as a Variant of Uncertain Significance.

Blueprint Genetics
Classification: Uncertain significance. Last evaluated: 2021-02-25. Review status: criteria provided, single submitter. Criteria: ACMG Guidelines, 2015. Collection method: clinical testing. Allele origin: germline.

NM_000732.6(CD3D):c.343A>T (p.Thr115Ser)

Gene: CD3D (CD3 delta subunit of T-cell receptor complex; minus strand). Cytogenetic location: 11q23.3.
Variant type: single nucleotide variant.
Coding change: c.343A>T on transcript NM_000732.6 (MANE Select); coding-DNA position 343, A replaced by T.
Protein change: p.Thr115Ser; replaces threonine 115 with serine.
Molecular consequence: missense variant. On other transcripts: intron variant (1).
Genome position (GRCh38, 1-based): chr11:118,339,838, T>A on the plus strand (A>T on the coding strand, the complement: CD3D is on the minus strand). VCF-style: chr11-118339838-T-A. GRCh37 (hg19) VCF-style: chr11-118210553-T-A.
Other names: c.343A>T (NM_000732.4); c.275-344A>T (NM_001040651.2); short protein forms T115S.
Identifiers: ClinVar variation 1479199 (VCV001479199.5), dbSNP rs762023030, ClinGen allele CA6301934.